The following is an entry in ClinVar:

ClinVar aggregate classification (germline): Uncertain significance. Review status: criteria provided, multiple submitters, no conflicts (2 of 4 stars). 2 submissions from 2 submitters: Uncertain significance (2). Last evaluated 2022-08-15.

Allele frequency attached by ClinVar (database versions not stated): ExAC 0.00009; gnomAD exomes 0.00010 and 0.00016; gnomAD 0.00013 and 0.00014; TOPMed 0.00014; ESP Exome Variant Server 0.00024.
gnomAD v4.1: 251 of 1,611,854 alleles (0.016%); highest among the groups gnomAD compares: Non-Finnish European, 0.019%; no homozygotes.

Submissions (2):

Labcorp Genetics (formerly Invitae), Labcorp
Classification: Uncertain significance. Last evaluated: 2022-08-15. Review status: criteria provided, single submitter. Criteria: Invitae Variant Classification Sherloc (09022015). Collection method: clinical testing. Allele origin: germline.
Comment: This sequence change replaces arginine, which is basic and polar, with histidine, which is basic and polar, at codon 1709 of the SBF1 protein (p.Arg1709His). This variant is present in population databases (rs202115500, gnomAD 0.02%). This variant has not been reported in the literature in individuals affected with SBF1-related conditions. ClinVar contains an entry for this variant (Variation ID: 1307767). Algorithms developed to predict the effect of missense changes on protein structure and function are either unavailable or do not agree on the potential impact of this missense change (SIFT: "Tolerated"; PolyPhen-2: "Probably Damaging"; Align-GVGD: "Class C0"). In summary, the available evidence is currently insufficient to determine the role of this variant in disease. Therefore, it has been classified as a Variant of Uncertain Significance.

GeneDx
Classification: Uncertain significance. Last evaluated: 2019-08-15. Review status: criteria provided, single submitter. Criteria: GeneDx Variant Classification Process June 2021. Collection method: clinical testing. Allele origin: germline. Affected: yes.
Comment: In silico analysis, which includes protein predictors and evolutionary conservation, supports that this variant does not alter protein structure/function; Has not been previously published as pathogenic or benign to our knowledge

NM_002972.4(SBF1):c.5126G>A (p.Arg1709His)

Gene: SBF1 (SET binding factor 1; minus strand). Cytogenetic location: 22q13.33.
Variant type: single nucleotide variant.
Coding change: c.5126G>A on transcript NM_002972.4 (MANE Select); coding-DNA position 5126, G replaced by A.
Protein change: p.Arg1709His; replaces arginine 1709 with histidine.
Molecular consequence: missense variant.
Genome position (GRCh38, 1-based): chr22:50,448,568, C>T on the plus strand (G>A on the coding strand, the complement: SBF1 is on the minus strand). VCF-style: chr22-50448568-C-T. GRCh37 (hg19) VCF-style: chr22-50886997-C-T.
Other names: c.5051G>A, p.Arg1684His (NM_001365819.1); short protein forms R1684H, R1709H.
Identifiers: ClinVar variation 1307767 (VCV001307767.6), dbSNP rs202115500, ClinGen allele CA10315986.